The following is an entry in ClinVar:

ClinVar aggregate classification (germline): Conflicting classifications of pathogenicity. Review status: criteria provided, conflicting classifications (1 of 4 stars). 4 submissions from 4 submitters: Uncertain significance (3); Likely benign (1). Last evaluated 2026-06-30.

Conditions:
Inborn genetic diseases. Identifiers: MedGen C0950123, MeSH D030342.
Smith-Lemli-Opitz syndrome (SLOS). Also called: LETHAL ACRODYSGENITAL SYNDROME; POLYDACTYLY, SEX REVERSAL, RENAL HYPOPLASIA, AND UNILOBAR LUNG; RSH SYNDROME; RUTLEDGE LETHAL MULTIPLE CONGENITAL ANOMALY SYNDROME; 7-Dehydrocholesterol reductase deficiency. Identifiers: Orphanet 818, MedGen C0175694, MONDO:0010035, OMIM 270400.

Allele frequency attached by ClinVar (database versions not stated): gnomAD exomes 0.00002; ExAC 0.00004; gnomAD 0.00006; 1000 Genomes Project 0.00020; TOPMed 0.00007; 1000 Genomes Project 30x 0.00016.
gnomAD v4.1: 36 of 1,614,002 alleles (0.0022%); highest among the groups gnomAD compares: African/African-American, 0.021%; no homozygotes.

Submissions (4):

Ambry Genetics
Classification: Likely benign for Inborn genetic diseases. Last evaluated: 2026-06-30. Review status: criteria provided, single submitter. Criteria: Ambry Variant Classification Scheme 2023. Collection method: clinical testing. Allele origin: germline.

GeneDx
Classification: Uncertain significance. Last evaluated: 2026-02-26. Review status: criteria provided, single submitter. Criteria: GeneDx Variant Classification Process June 2021. Collection method: clinical testing. Allele origin: germline.
Comment: In silico analysis suggests that this missense variant does not alter protein structure/function; Has not been previously published as pathogenic or benign to our knowledge; This variant is associated with the following publications: (PMID: 29300326)

Fulgent Genetics
Classification: Uncertain significance for Smith-Lemli-Opitz syndrome. Last evaluated: 2024-01-10. Review status: criteria provided, single submitter. Criteria: ACMG Guidelines, 2015. Collection method: clinical testing. Allele origin: germline.

Labcorp Genetics (formerly Invitae), Labcorp
Classification: Uncertain significance for Smith-Lemli-Opitz syndrome. Last evaluated: 2022-06-20. Review status: criteria provided, single submitter. Criteria: Invitae Variant Classification Sherloc (09022015). Collection method: clinical testing. Allele origin: germline.
Comment: This sequence change replaces arginine, which is basic and polar, with glutamine, which is neutral and polar, at codon 260 of the DHCR7 protein (p.Arg260Gln). This variant is present in population databases (rs551260416, gnomAD 0.02%). This variant has not been reported in the literature in individuals affected with DHCR7-related conditions. Advanced modeling of protein sequence and biophysical properties (such as structural, functional, and spatial information, amino acid conservation, physicochemical variation, residue mobility, and thermodynamic stability) performed at Invitae indicates that this missense variant is not expected to disrupt DHCR7 protein function. In summary, the available evidence is currently insufficient to determine the role of this variant in disease. Therefore, it has been classified as a Variant of Uncertain Significance.

NM_001360.3(DHCR7):c.779G>A (p.Arg260Gln)

Gene: DHCR7 (7-dehydrocholesterol reductase; minus strand). Cytogenetic location: 11q13.4.
Variant type: single nucleotide variant.
Coding change: c.779G>A on transcript NM_001360.3 (MANE Select); coding-DNA position 779, G replaced by A.
Protein change: p.Arg260Gln; replaces arginine 260 with glutamine.
Molecular consequence: missense variant.
Genome position (GRCh38, 1-based): chr11:71,438,931, C>T on the plus strand (G>A on the coding strand, the complement: DHCR7 is on the minus strand). VCF-style: chr11-71438931-C-T. GRCh37 (hg19) VCF-style: chr11-71149977-C-T.
Other names: c.779G>A, p.Arg260Gln (NM_001163817.2); short protein forms R260Q.
Identifiers: ClinVar variation 2055372 (VCV002055372.4), dbSNP rs551260416, ClinGen allele CA6162462.